The following is an entry in ClinVar:

NM_003128.3(SPTBN1):c.148+32207G>A

Gene: SPTBN1 (spectrin beta, non-erythrocytic 1; plus strand). Cytogenetic location: 2p16.2.
Variant type: single nucleotide variant.
Coding change: c.148+32207G>A on transcript NM_003128.3 (MANE Select); 32207 bases into the intron after coding-DNA position 148, G replaced by A.
Molecular consequence: intron variant. On other transcripts: 5 prime UTR variant (1).
Genome position (GRCh38, 1-based): chr2:54,558,773, G>A. VCF-style: chr2-54558773-G-A. GRCh37 (hg19) VCF-style: chr2-54785910-G-A.
Other names: c.-6G>A (NM_178313.3).
Identifiers: ClinVar variation 5002260 (VCV005002260.1).

ClinVar aggregate classification (germline): Likely benign (1 of 4 stars; one submission).

Conditions:
SPTBN1-related disorder. Also called: SPTBN1-related condition.

gnomAD v4.1: 40 of 1,611,994 alleles (0.0025%); highest among the groups gnomAD compares: Non-Finnish European, 0.0034%; no homozygotes.

Submission:

PreventionGenetics, part of Exact Sciences
Classification: Likely benign for SPTBN1-related condition. Last evaluated: 2024-12-19. Review status: criteria provided, single submitter. Criteria: ACMG Guidelines, 2015. Collection method: clinical testing. Allele origin: germline.
Comment: This variant is classified as likely benign based on ACMG/AMP sequence variant interpretation guidelines (Richards et al. 2015 PMID: 25741868, with internal and published modifications).